The following is an entry in ClinVar:

ClinVar aggregate classification (germline): Likely benign (0 of 4 stars; one submission).

Conditions:
MAPRE2-related disorder. Also called: MAPRE2-related condition.

Allele frequency attached by ClinVar (database versions not stated): ExAC 0.00003; TOPMed 0.00003; gnomAD 0.00004; ESP Exome Variant Server 0.00015.
gnomAD v4.1: 43 of 1,607,494 alleles (0.0027%); highest among the groups gnomAD compares: South Asian, 0.0089%; no homozygotes.

Submission:

PreventionGenetics, part of Exact Sciences
Classification: Likely benign for MAPRE2-related condition. Last evaluated: 2019-06-25. Review status: no assertion criteria provided. Collection method: clinical testing. Allele origin: germline.
Comment: This variant is classified as likely benign based on ACMG/AMP sequence variant interpretation guidelines (Richards et al. 2015 PMID: 25741868, with internal and published modifications).

NM_014268.4(MAPRE2):c.156G>A (p.Ser52=)

Gene: MAPRE2 (microtubule associated protein RP/EB family member 2; plus strand). Cytogenetic location: 18q12.1.
Variant type: single nucleotide variant.
Coding change: c.156G>A on transcript NM_014268.4 (MANE Select); coding-DNA position 156, G replaced by A.
Protein change: p.Ser52=; no amino-acid change (serine 52 retained).
Molecular consequence: synonymous variant. On other transcripts: non-coding transcript variant (1), intron variant (1).
Genome position (GRCh38, 1-based): chr18:35,070,228, G>A. VCF-style: chr18-35070228-G-A. GRCh37 (hg19) VCF-style: chr18-32650192-G-A.
Other names: c.27G>A, p.Ser9= (NM_001143826.3); c.120G>A, p.Ser40= (NM_001143827.3); c.92-27218G>A (NM_001256420.2).
Identifiers: ClinVar variation 3042970 (VCV003042970.2), dbSNP rs139112293, ClinGen allele CA8936086.